The following is an entry in ClinVar:

ClinVar aggregate classification (germline): Uncertain significance (1 of 4 stars; one submission).

Conditions:
Hereditary cancer-predisposing syndrome. Also called: Neoplastic Syndromes, Hereditary; Tumor predisposition; Hereditary Cancer Syndrome; Hereditary neoplastic syndrome. Identifiers: Orphanet 140162, MedGen C0027672, MeSH D009386, MONDO:0015356.

Submission:

Ambry Genetics
Classification: Uncertain significance for Hereditary cancer-predisposing syndrome. Last evaluated: 2022-12-02. Review status: criteria provided, single submitter. Criteria: Ambry Variant Classification Scheme 2023. Collection method: clinical testing. Allele origin: germline.
Comment: The p.R688G variant (also known as c.2062C>G), located in coding exon 12 of the DICER1 gene, results from a C to G substitution at nucleotide position 2062. The arginine at codon 688 is replaced by glycine, an amino acid with dissimilar properties. This amino acid position is highly conserved in available vertebrate species. In addition, the in silico prediction for this alteration is inconclusive. Since supporting evidence is limited at this time, the clinical significance of this alteration remains unclear.

NM_177438.3(DICER1):c.2062C>G (p.Arg688Gly)

Gene: DICER1 (dicer 1, ribonuclease III; minus strand). Cytogenetic location: 14q32.13.
Variant type: single nucleotide variant.
Coding change: c.2062C>G on transcript NM_177438.3 (MANE Select); coding-DNA position 2062, C replaced by G.
Protein change: p.Arg688Gly; replaces arginine 688 with glycine.
Molecular consequence: missense variant.
Genome position (GRCh38, 1-based): chr14:95,112,226, G>C on the plus strand (C>G on the coding strand, the complement: DICER1 is on the minus strand). VCF-style: chr14-95112226-G-C. GRCh37 (hg19) VCF-style: chr14-95578563-G-C.
Other names: c.2062C>G, p.Arg688Gly (NM_001195573.1, NM_001271282.3, NM_001291628.2 and 1 more transcripts); short protein forms R688G.
Identifiers: ClinVar variation 820630 (VCV000820630.5), dbSNP rs886037684, ClinGen allele CA390883102.
Genomic context (GRCh38, chr14:95,112,226, plus strand): 5'-CCTTACCAATTTTGTGCAGTTTCTCACAGCAAATGAGAGCTACAACTCTTTCAGCCAATC[G>C]TACACAGCTCATTGGTGGACCCTGAAAATAACAAAAACCTTTCCATTATATATGCACATC-3'
Protein context (NP_803187.1, residues 678-698): SIVGPPMSCV[Arg688Gly]LAERVVALIC